The following is an entry in ClinVar:

ClinVar aggregate classification (germline): Likely benign (1 of 4 stars; one submission).

Submission:

CeGaT Center for Human Genetics Tuebingen
Classification: Likely benign. Last evaluated: 2022-11-01. Review status: criteria provided, single submitter. Criteria: CeGaT Center For Human Genetics Tuebingen Variant Classification Criteria Version 2. Collection method: clinical testing. Allele origin: germline. Affected: yes. Observed: 1 variant allele.
Comment: RBBP7: PM2:Supporting, BP4, BP7

NM_002893.4(RBBP7):c.17-374G>T

Genes: RBBP7 (RB binding protein 7, chromatin remodeling factor; minus strand), LOC130067995 (ATAC-STARR-seq lymphoblastoid silent region 20681; plus strand). Cytogenetic location: Xp22.2.
Variant type: single nucleotide variant.
Coding change: c.17-374G>T on transcript NM_002893.4 (MANE Select); 374 bases into the intron before coding-DNA position 17, G replaced by T.
Molecular consequence: intron variant. On other transcripts: synonymous variant (1).
Genome position (GRCh38, 1-based): chrX:16,869,594, C>A on the plus strand (G>T on the coding strand, the complement: RBBP7 is on the minus strand). VCF-style: chrX-16869594-C-A. GRCh37 (hg19) VCF-style: chrX-16887717-C-A.
Other names: c.48G>T, p.Gly16= (NM_001198719.2).
Identifiers: ClinVar variation 2660073 (VCV002660073.24), dbSNP rs2518516240, ClinGen allele CA515579626.